The following is an entry in ClinVar:

NM_001081.4(CUBN):c.889C>T (p.Gln297Ter)

Gene: CUBN (cubilin; minus strand). Cytogenetic location: 10p13.
Variant type: single nucleotide variant.
Coding change: c.889C>T on transcript NM_001081.4 (MANE Select); coding-DNA position 889, C replaced by T.
Protein change: p.Gln297Ter; replaces glutamine 297 with a stop codon.
Molecular consequence: nonsense.
Genome position (GRCh38, 1-based): chr10:17,111,045, G>A on the plus strand (C>T on the coding strand, the complement: CUBN is on the minus strand). VCF-style: chr10-17111045-G-A. GRCh37 (hg19) VCF-style: chr10-17153044-G-A.
Other names: short protein forms Q297*.
Identifiers: ClinVar variation 56343 (VCV000056343.2), dbSNP rs386833791, ClinGen allele CA144305.
Genomic context (GRCh38, chr10:17,111,045, plus strand): 5'-AACAGCCGCCGTTATTTATCTCACATTCATTGATATCTTCGCAAATATATCCATTGCCTT[G>A]CCAGCCTAGGAAAACAAGAGGATTTAAAAGTTTAGCTCTATAGACAAGTCAACAAGGAAG-3'

ClinVar aggregate classification (germline): Likely pathogenic (0 of 4 stars; one submission).

Conditions:
Imerslund-Grasbeck syndrome. Also called: PERNICIOUS ANEMIA, JUVENILE, DUE TO SELECTIVE INTESTINAL MALABSORPTION OF VITAMIN B12, WITH PROTEINURIA; Megaloblastic anemia due to inborn errors of metabolism; Imerslund-Gräsbeck syndrome; ENTEROCYTE COBALAMIN MALABSORPTION; ENTEROCYTE INTRINSIC FACTOR RECEPTOR, DEFECT OF. Identifiers: Orphanet 35858, MedGen C4551825, MONDO:0009853.

gnomAD v4.1: 1 of 1,614,016 alleles (0.000062%); highest among the groups gnomAD compares: Non-Finnish European, 0.000085%; no homozygotes.

Submission:

Juha Muilu Group; Institute for Molecular Medicine Finland (FIMM)
Classification: Likely pathogenic for Megaloblastic anemia due to inborn errors of metabolism. Review status: no assertion criteria provided. Collection method: not provided. Allele origin: unknown.
Comment: FinDis database variant: This variant was not found or characterized by our laboratory, data were collected from public sources: see reference
ClinVar note: Converted during submission from probable-pathogenic to Likely pathogenic.